The following is an entry in ClinVar:

NM_001283009.2(RTEL1):c.1191+4G>C

Genes: RTEL1 (regulator of telomere elongation helicase 1; plus strand), RTEL1-TNFRSF6B (RTEL1-TNFRSF6B readthrough (NMD candidate); plus strand). Cytogenetic location: 20q13.33.
Variant type: single nucleotide variant.
Coding change: c.1191+4G>C on transcript NM_001283009.2 (MANE Select); 4 bases into the intron after coding-DNA position 1191, G replaced by C.
Molecular consequence: intron variant.
Genome position (GRCh38, 1-based): chr20:63,680,723, G>C. VCF-style: chr20-63680723-G-C. GRCh37 (hg19) VCF-style: chr20-62312076-G-C.
Other names: c.522+4G>C (NM_001283010.1); c.1263+4G>C (NM_032957.5); c.1191+4G>C (NM_016434.4).
Identifiers: ClinVar variation 2144416 (VCV002144416.1), dbSNP rs2517072762, ClinGen allele CA2580098462.

ClinVar aggregate classification (germline): Uncertain significance (1 of 4 stars; one submission).

Conditions:
Dyskeratosis congenita, autosomal recessive 5 (DKCB5). Identifiers: MedGen C3554656, MONDO:0014076, OMIM 615190.
Pulmonary fibrosis and/or bone marrow failure, Telomere-related, 3. Also called: PULMONARY FIBROSIS AND/OR BONE MARROW FAILURE SYNDROME, TELOMERE-RELATED, 3. Identifiers: Orphanet 2032, MedGen C4225346, MONDO:0014613, OMIM 616373.

Submission:

Labcorp Genetics (formerly Invitae), Labcorp
Classification: Uncertain significance for Dyskeratosis congenita, autosomal recessive 5; Pulmonary fibrosis and/or bone marrow failure, Telomere-related, 3. Last evaluated: 2022-10-21. Review status: criteria provided, single submitter. Criteria: Invitae Variant Classification Sherloc (09022015). Collection method: clinical testing. Allele origin: germline.
Comment: This sequence change falls in intron 14 of the RTEL1 gene. It does not directly change the encoded amino acid sequence of the RTEL1 protein. It affects a nucleotide within the consensus splice site. This variant is not present in population databases (gnomAD no frequency). This variant has not been reported in the literature in individuals affected with RTEL1-related conditions. Variants that disrupt the consensus splice site are a relatively common cause of aberrant splicing (PMID: 17576681, 9536098). Algorithms developed to predict the effect of sequence changes on RNA splicing suggest that this variant is not likely to affect RNA splicing. In summary, the available evidence is currently insufficient to determine the role of this variant in disease. Therefore, it has been classified as a Variant of Uncertain Significance.

Literature cited by the submitters: PubMed 17576681; PubMed 9536098.